The following continues an entry in ClinVar:

NM_000051.4(ATM):c.496+5G>A

Gene: ATM. ClinVar aggregate classification (germline): Pathogenic. Pathogenic (1).

Submissions 8 to 14 of 14:

Baylor Genetics
Classification: Likely pathogenic for Familial cancer of breast. Last evaluated: 2024-03-04. Review status: criteria provided, single submitter. Criteria: ACMG Guidelines, 2015. Collection method: clinical testing. Allele origin: unknown. Not counted in ClinVar's aggregate classification.

Women's Health and Genetics/Laboratory Corporation of America, LabCorp
Classification: Likely pathogenic for Ataxia-telangiectasia syndrome. Last evaluated: 2023-08-15. Review status: criteria provided, single submitter. Criteria: LabCorp Variant Classification Summary - May 2015. Collection method: clinical testing. Allele origin: germline. Not counted in ClinVar's aggregate classification.
Comment: Variant summary: ATM c.496+5G>A alters a conserved nucleotide located close to a canonical splice site and therefore could affect mRNA splicing, leading to a significantly altered protein sequence. Several computational tools predict a significant impact on normal splicing: Three predict the variant weakens a 5' donor site. At least one publication reports experimental evidence indicating that this variant results in skipping of exon 5 (Dork_2004) and another suggests that this variant results in leaky splicing (Bueno-Martinez_2022). The variant was absent in 251312 control chromosomes. c.496+5G>A has been reported in the literature in individuals affected with Ataxia-Telangiectasia (Dork_2004, Verhagen_2009). These data indicate that the variant may be associated with disease. The following publications have been ascertained in the context of this evaluation (PMID: 35716007, 15054841, 19535770). Eight submitters have cited clinical-significance assessments for this variant to ClinVar after 2014. All submitters classified the variant as pathogenic/likely pathogenic citing overlapping evidence utilized in the context of this evaluation. Based on the evidence outlined above, the variant was classified as likely pathogenic.

MGZ Medical Genetics Center
Classification: Likely pathogenic for Ataxia-telangiectasia syndrome. Last evaluated: 2022-05-16. Review status: criteria provided, single submitter. Criteria: ACMG Guidelines, 2015. Collection method: clinical testing. Allele origin: germline. Affected: yes. Observed: 1 variant allele. Not counted in ClinVar's aggregate classification.
Comment: ACMG criteria applied: PP3_STR, PS4_MOD, PM2_SUP

Pittsburgh Clinical Genomics Laboratory, University of Pittsburgh Medical Center
Classification: Likely pathogenic for Hereditary Breast and Ovarian Cancer Syndrome. Last evaluated: 2018-03-20. Review status: criteria provided, single submitter. Criteria: ACMG Guidelines, 2015. Collection method: clinical testing. Allele origin: germline. Affected: no. Observed: 1 variant allele. Not counted in ClinVar's aggregate classification.
Comment: This sequence variant is a single nucleotide substitution (G>A) that occurs at the +5 position of intron 5 of the ATM gene. This variant has not been observed in the Exome Aggregation Consortium (ExAC) database. RNA analysis indicates that c.496+5G>A causes a splicing defect leading to an in-frame deletion of exon 5 (identified in the publication as exon 7), shortening the RNA by 165 nucleotides (PMID: 15054841) and the protein by 55 amino acid residues (p.Arg111_Glu166del55insLys). This shortened protein deriving from the variant has a decrease to only 20-40% of the expression of a wild-type variant, and cells had markedly reduced phosphorylation activity toward p53 and NBS1/p95 after radiation exposure (PMID: 15054841). ATM:c.496+5G>A is found in the case described in this paper, as well as two unrelated families affected by ataxia-telangiectasia (A-T). In the two documented cases of A-T where the variant was present, it was also found to be compound heterozygous with known pathogenic variant c.7875_7876delTGinsGC (p.Asp2625_Ala2626delinsGluPro). Despite the clear association of ATM:c.496+5G>A with risk for A-T, its association with hereditary cancer is less clear. Based on these data, we consider this variant to be likely pathogenic.

Natera, Inc.
Classification: Likely pathogenic for Ataxia-telangiectasia. Last evaluated: 2020-09-16. Review status: no assertion criteria provided. Collection method: clinical testing. Allele origin: germline. Not counted in ClinVar's aggregate classification.

Counsyl
Classification: Likely pathogenic for Ataxia-telangiectasia syndrome. Last evaluated: 2018-02-01. Review status: no assertion criteria provided. Collection method: clinical testing. Allele origin: unknown. Not counted in ClinVar's aggregate classification.

OMIM
Classification: Pathogenic for ATAXIA-TELANGIECTASIA VARIANT. Last evaluated: 2004-04-30. Review status: no assertion criteria provided. Collection method: literature only. Allele origin: germline. Not counted in ClinVar's aggregate classification.

Literature cited by the submitters: PubMed 15054841 (cited by 7 submitters); PubMed 19535770 (cited by 5 submitters); PubMed 35534218 (cited by Labcorp Genetics (formerly Invitae), Labcorp); PubMed 36744932 (cited by Labcorp Genetics (formerly Invitae), Labcorp); PubMed 37438524 (cited by Labcorp Genetics (formerly Invitae), Labcorp and Color Diagnostics, LLC DBA Color Health); PubMed 17576681 (cited by Labcorp Genetics (formerly Invitae), Labcorp); PubMed 9536098 (cited by Labcorp Genetics (formerly Invitae), Labcorp); PubMed 35716007 (cited by 3 submitters); PubMed 21778326 (cited by Color Diagnostics, LLC DBA Color Health); PubMed 28126470 (cited by Color Diagnostics, LLC DBA Color Health); PubMed 30549301 (cited by Color Diagnostics, LLC DBA Color Health).